The following is an entry in ClinVar:

NM_015076.5(CDK19):c.334C>T (p.Arg112Cys)

Gene: CDK19 (cyclin dependent kinase 19; minus strand). Cytogenetic location: 6q21.
Variant type: single nucleotide variant.
Coding change: c.334C>T on transcript NM_015076.5 (MANE Select); coding-DNA position 334, C replaced by T.
Protein change: p.Arg112Cys; replaces arginine 112 with cysteine.
Molecular consequence: missense variant.
Genome position (GRCh38, 1-based): chr6:110,667,556, G>A on the plus strand (C>T on the coding strand, the complement: CDK19 is on the minus strand). VCF-style: chr6-110667556-G-A. GRCh37 (hg19) VCF-style: chr6-110988759-G-A.
Other names: c.334C>T, p.Arg112Cys (NM_001300960.2); c.154C>T, p.Arg52Cys (NM_001300963.2, NM_001300964.2); short protein forms R52C, R112C.
Identifiers: ClinVar variation 4610034 (VCV004610034.1).

ClinVar aggregate classification (germline): Uncertain significance (1 of 4 stars; one submission).

Conditions:
Inborn genetic diseases. Identifiers: MedGen C0950123, MeSH D030342.

gnomAD v4.1: 5 of 1,545,284 alleles (0.00032%); highest among the groups gnomAD compares: Admixed American, 0.0019%; no homozygotes.

Submission:

Ambry Genetics
Classification: Uncertain significance for Inborn genetic diseases. Last evaluated: 2025-11-20. Review status: criteria provided, single submitter. Criteria: Ambry Variant Classification Scheme 2023. Collection method: clinical testing. Allele origin: germline.
Comment: The c.334C>T (p.R112C) alteration is located in exon 4 (coding exon 4) of the CDK19 gene. This alteration results from a C to T substitution at nucleotide position 334, causing the arginine (R) at amino acid position 112 to be replaced by a cysteine (C). Based on data from gnomAD, the T allele has an overall frequency of <0.001% (1/228362) total alleles studied. The highest observed frequency was 0.004% (1/28490) of Latino alleles. Based on insufficient or conflicting evidence, the clinical significance of this alteration remains unclear.